The following is an entry in ClinVar:

ClinVar aggregate classification (germline): Benign. Review status: criteria provided, multiple submitters, no conflicts (2 of 4 stars). 2 submissions from 2 submitters: Benign (2). Last evaluated 2018-06-14.

Allele frequency attached by ClinVar (database versions not stated): 1000 Genomes Project 30x 0.85728; 1000 Genomes Project 0.86482; TOPMed 0.86793; gnomAD 0.87776 and 0.88476; gnomAD exomes 0.98168.
gnomAD v4.1: 701,921 of 730,388 alleles (96%); highest among the groups gnomAD compares: East Asian, 100%; 341,504 homozygotes.

Submissions (2):

GeneDx
Classification: Benign. Last evaluated: 2018-06-14. Review status: criteria provided, single submitter. Criteria: GeneDx Variant Classification (06012015). Collection method: clinical testing. Allele origin: germline. Affected: yes.
Comment: This variant is considered likely benign or benign based on one or more of the following criteria: it is a conservative change, it occurs at a poorly conserved position in the protein, it is predicted to be benign by multiple in silico algorithms, and/or has population frequency not consistent with disease.

Breakthrough Genomics
Classification: Benign. Review status: criteria provided, single submitter. Criteria: ACMG Guidelines, 2015. Collection method: not provided. Allele origin: germline. Inheritance: Autosomal recessive inheritance. Affected: yes.

NM_015340.4(LARS2):c.1019-85C>G

Genes: LARS2 (leucyl-tRNA synthetase 2, mitochondrial; plus strand), LARS2-AS1 (LARS2 antisense RNA 1; minus strand). Cytogenetic location: 3p21.31.
Variant type: single nucleotide variant.
Coding change: c.1019-85C>G on transcript NM_015340.4 (MANE Select); 85 bases into the intron before coding-DNA position 1019, C replaced by G.
Molecular consequence: intron variant.
Genome position (GRCh38, 1-based): chr3:45,485,607, C>G. VCF-style: chr3-45485607-C-G. GRCh37 (hg19) VCF-style: chr3-45527099-C-G.
Other names: c.1019-85C>G (NM_001368263.1).
Identifiers: ClinVar variation 676142 (VCV000676142.2), dbSNP rs7640603, ClinGen allele CA16141835.